The following is an entry in ClinVar:

ClinVar aggregate classification (germline): Likely pathogenic (1 of 4 stars; one submission).

Conditions:
TCOF1-related disorder. Also called: TCOF1-related condition.

Submission:

PreventionGenetics, part of Exact Sciences
Classification: Likely pathogenic for TCOF1-related condition. Last evaluated: 2025-07-11. Review status: criteria provided, single submitter. Criteria: ACMG Guidelines, 2015. Collection method: clinical testing. Allele origin: germline.
Comment: The TCOF1 c.1462delG variant is predicted to result in a frameshift and premature protein termination (p.Ala488Hisfs*5). To our knowledge, this variant has not been reported in the literature or in a large population database (gnomAD), indicating this variant is rare. Frameshift variants in TCOF1 are expected to be pathogenic. This variant is interpreted as likely pathogenic.

NM_001371623.1(TCOF1):c.1462del (p.Ala488fs)

Gene: TCOF1 (treacle ribosome biogenesis factor 1; plus strand). Cytogenetic location: 5q32.
Variant type: Deletion.
Coding change: c.1462del on transcript NM_001371623.1 (MANE Select); coding-DNA position 1462, one base deleted (G; older notation c.1462delG).
Protein change: p.Ala488fs; shifts the reading frame from alanine 488.
Molecular consequence: frameshift variant.
Genome position (GRCh38, 1-based): chr5:150,375,137, G deleted; the last of 2 consecutive G bases (chr5:150,375,136-150,375,137); deleting either gives the same sequence. VCF-style (leftmost placement, unchanged base first): chr5-150375135-AG-A. GRCh37 (hg19) VCF-style: chr5-149754698-AG-A.
Other names: c.1231del, p.Ala411fs (NM_000356.4, NM_001135245.2, NM_001437406.1); c.1462del, p.Ala488fs (NM_001008657.3, NM_001135243.2, NM_001135244.2 and 1 more transcripts); short protein forms A411fs, A488fs.
Identifiers: ClinVar variation 4997294 (VCV004997294.1).